The following is an entry in ClinVar:

ClinVar aggregate classification (germline): Uncertain significance (1 of 4 stars; one submission).

Conditions:
Emery-Dreifuss muscular dystrophy 4, autosomal dominant (EDMD4). Also called: EMERY-DREIFUSS MUSCULAR DYSTROPHY 4 WITH VARIABLE FEATURES. Identifiers: Orphanet 261, MedGen C2751807, MONDO:0013071, OMIM 612998.
Autosomal recessive ataxia, Beauce type. Also called: SYNE1 Deficiency; Spinocerebellar ataxia, autosomal recessive 8; ATAXIA, RECESSIVE, OF BEAUCE; SYNE1-Related Autosomal Recessive Cerebellar Ataxia. Identifiers: Orphanet 88644, MedGen C1853116, MONDO:0012549, OMIM 610743.

Submission:

Labcorp Genetics (formerly Invitae), Labcorp
Classification: Uncertain significance for Emery-Dreifuss muscular dystrophy 4, autosomal dominant; Autosomal recessive ataxia, Beauce type. Last evaluated: 2023-08-09. Review status: criteria provided, single submitter. Criteria: Invitae Variant Classification Sherloc (09022015). Collection method: clinical testing. Allele origin: germline.
Comment: In summary, the available evidence is currently insufficient to determine the role of this variant in disease. Therefore, it has been classified as a Variant of Uncertain Significance. An algorithm developed to predict the effect of missense changes on protein structure and function (PolyPhen-2) suggests that this variant is likely to be tolerated. ClinVar contains an entry for this variant (Variation ID: 2038350). This variant has not been reported in the literature in individuals affected with SYNE1-related conditions. This variant is not present in population databases (gnomAD no frequency). This sequence change replaces isoleucine, which is neutral and non-polar, with threonine, which is neutral and polar, at codon 3385 of the SYNE1 protein (p.Ile3385Thr).

NM_182961.4(SYNE1):c.10133T>C (p.Ile3378Thr)

Gene: SYNE1 (spectrin repeat containing nuclear envelope protein 1; minus strand). Cytogenetic location: 6q25.2.
Variant type: single nucleotide variant.
Coding change: c.10133T>C on transcript NM_182961.4 (MANE Select); coding-DNA position 10133, T replaced by C.
Protein change: p.Ile3378Thr; replaces isoleucine 3378 with threonine.
Molecular consequence: missense variant.
Genome position (GRCh38, 1-based): chr6:152,364,859, A>G on the plus strand (T>C on the coding strand, the complement: SYNE1 is on the minus strand). VCF-style: chr6-152364859-A-G. GRCh37 (hg19) VCF-style: chr6-152685994-A-G.
Other names: c.10154T>C, p.Ile3385Thr (NM_033071.5); short protein forms I3385T, I3378T.
Identifiers: ClinVar variation 2038350 (VCV002038350.4), dbSNP rs2489223667, ClinGen allele CA366132180.